The following is an entry in ClinVar:

ClinVar aggregate classification (germline): Uncertain significance (1 of 4 stars; one submission).

Submission:

Mayo Clinic Laboratories, Mayo Clinic
Classification: Uncertain significance. Last evaluated: 2025-01-10. Review status: criteria provided, single submitter. Criteria: ACMG Guidelines, 2015. Collection method: clinical testing. Allele origin: germline. Observed: 1 variant allele.
Comment: BP4, PM2_supporting

NM_003824.4(FADD):c.588G>A (p.Met196Ile)

Gene: FADD (Fas associated via death domain; plus strand). Cytogenetic location: 11q13.3.
Variant type: single nucleotide variant.
Coding change: c.588G>A on transcript NM_003824.4 (MANE Select); coding-DNA position 588, G replaced by A.
Protein change: p.Met196Ile; replaces methionine 196 with isoleucine.
Molecular consequence: missense variant.
Genome position (GRCh38, 1-based): chr11:70,206,434, G>A. VCF-style: chr11-70206434-G-A. GRCh37 (hg19) VCF-style: chr11-70052540-G-A.
Other names: p.Met196Ile; short protein forms M196I.
Identifiers: ClinVar variation 4541647 (VCV004541647.1).